The following is an entry in ClinVar:

NM_004260.4(RECQL4):c.871del (p.Ala291fs)

Gene: RECQL4 (RecQ like helicase 4; minus strand). Cytogenetic location: 8q24.3.
Variant type: Deletion.
Coding change: c.871del on transcript NM_004260.4 (MANE Select); coding-DNA position 871, one base deleted (G; older notation c.871delG).
Protein change: p.Ala291fs; shifts the reading frame from alanine 291.
Molecular consequence: frameshift variant.
Genome position (GRCh38, 1-based): chr8:144,516,248, C deleted on the plus strand (G on the coding strand, the reverse complement: RECQL4 is on the minus strand); the first of 4 consecutive C bases (chr8:144,516,248-144,516,251); deleting any one gives the same sequence. VCF-style (leftmost placement, unchanged base first): chr8-144516247-GC-G. GRCh37 (hg19) VCF-style: chr8-145741631-GC-G.
Other names: c.871delG (NM_004260.3); short protein forms A291fs.
Identifiers: ClinVar variation 459525 (VCV000459525.8), dbSNP rs1389647533, ClinGen allele CA586165522.

ClinVar aggregate classification (germline): Pathogenic/Likely pathogenic. Review status: criteria provided, multiple submitters, no conflicts (2 of 4 stars). 2 submissions from 2 submitters: Pathogenic (1); Likely pathogenic (1). Last evaluated 2025-07-17.

Conditions:
RECQL4-related disorder. Also called: RECQL4-related condition; RECQL4-related disorders.
Baller-Gerold syndrome (BGS). Also called: CRANIOSYNOSTOSIS WITH RADIAL DEFECTS. Identifiers: Orphanet 1225, MedGen C0265308, MONDO:0009039, OMIM 218600.

Submissions (2):

Labcorp Genetics (formerly Invitae), Labcorp
Classification: Pathogenic for Baller-Gerold syndrome. Last evaluated: 2025-07-17. Review status: criteria provided, single submitter. Criteria: Invitae Variant Classification Sherloc (09022015). Collection method: clinical testing. Allele origin: germline.
Comment: This sequence change creates a premature translational stop signal (p.Ala291Leufs*2) in the RECQL4 gene. It is expected to result in an absent or disrupted protein product. Loss-of-function variants in RECQL4 are known to be pathogenic (PMID: 12734318, 12952869). This variant is present in population databases (no rsID available, gnomAD 0.0009%). This variant has not been reported in the literature in individuals affected with RECQL4-related conditions. ClinVar contains an entry for this variant (Variation ID: 459525). For these reasons, this variant has been classified as Pathogenic.

Blueprint Genetics
Classification: Likely pathogenic for RECQL4-related disorders. Last evaluated: 2020-09-02. Review status: criteria provided, single submitter. Criteria: ACMG Guidelines, 2015. Collection method: clinical testing. Allele origin: germline. Affected: yes. Observed: 2 variant alleles.

Literature cited by the submitters: PubMed 12734318 (cited by Labcorp Genetics (formerly Invitae), Labcorp); PubMed 12952869 (cited by Labcorp Genetics (formerly Invitae), Labcorp).